The following is an entry in ClinVar:

ClinVar aggregate classification (germline): Uncertain significance (1 of 4 stars; one submission).

Conditions:
Neurofibromatosis, type 1 (NF1). Also called: VON RECKLINGHAUSEN DISEASE; Peripheral type neurofibromatosis; NEUROFIBROMATOSIS, TYPE I, SOMATIC; Neurofibromatosis, type I. Identifiers: Orphanet 636, MedGen C0027831, MONDO:0018975, OMIM 162200. Disease mechanism: loss of function.

Submission:

Labcorp Genetics (formerly Invitae), Labcorp
Classification: Uncertain significance for Neurofibromatosis, type 1. Last evaluated: 2024-11-11. Review status: criteria provided, single submitter. Criteria: Invitae Variant Classification Sherloc (09022015). Collection method: clinical testing. Allele origin: germline.
Comment: This sequence change replaces asparagine, which is neutral and polar, with threonine, which is neutral and polar, at codon 1582 of the NF1 protein (p.Asn1582Thr). This variant is not present in population databases (gnomAD no frequency). This variant has not been reported in the literature in individuals affected with NF1-related conditions. Invitae Evidence Modeling of protein sequence and biophysical properties (such as structural, functional, and spatial information, amino acid conservation, physicochemical variation, residue mobility, and thermodynamic stability) indicates that this missense variant is expected to disrupt NF1 protein function with a positive predictive value of 80%. In summary, the available evidence is currently insufficient to determine the role of this variant in disease. Therefore, it has been classified as a Variant of Uncertain Significance.

NM_001042492.3(NF1):c.4808A>C (p.Asn1603Thr)

Gene: NF1 (neurofibromin 1; plus strand). Cytogenetic location: 17q11.2.
Variant type: single nucleotide variant.
Coding change: c.4808A>C on transcript NM_001042492.3 (MANE Select); coding-DNA position 4808, A replaced by C.
Protein change: p.Asn1603Thr; replaces asparagine 1603 with threonine.
Molecular consequence: missense variant.
Genome position (GRCh38, 1-based): chr17:31,265,312, A>C. VCF-style: chr17-31265312-A-C. GRCh37 (hg19) VCF-style: chr17-29592330-A-C.
Other names: c.4745A>C, p.Asn1582Thr (NM_000267.4); short protein forms N1603T, N1582T.
Identifiers: ClinVar variation 3634563 (VCV003634563.2).